The following is an entry in ClinVar:

NM_007294.4(BRCA1):c.5074+4T>G

Gene: BRCA1 (BRCA1 DNA repair associated; minus strand). Cytogenetic location: 17q21.31.
Variant type: single nucleotide variant.
Coding change: c.5074+4T>G on transcript NM_007294.4 (MANE Select); 4 bases into the intron after coding-DNA position 5074, T replaced by G.
Molecular consequence: intron variant.
Genome position (GRCh38, 1-based): chr17:43,067,604, A>C on the plus strand (T>G on the coding strand, the complement: BRCA1 is on the minus strand). VCF-style: chr17-43067604-A-C. GRCh37 (hg19) VCF-style: chr17-41219621-A-C.
Other names: c.1621+4T>G (NM_001408458.1, NM_001408461.1, NM_001408464.1 and 7 more transcripts); c.4183+4T>G (NM_001407967.1); c.4693+4T>G (NM_001407959.1); c.4807+4T>G (NM_001407931.1, NM_001407932.1, NM_001407928.1 and 4 more transcripts); c.4930+4T>G (NM_001407747.1, NM_001407745.1, NM_001407737.1 and 21 more transcripts); c.4690+4T>G (NM_001407962.1, NM_001407960.1); c.1261+4T>G (NM_001408512.1); c.1384+4T>G (NM_001408510.1); and 71 more.
Identifiers: ClinVar variation 867603 (VCV000867603.3), dbSNP rs1567771887, ClinGen allele CA916080156.
Genomic context (GRCh38, chr17:43,067,604, plus strand): 5'-GTGCCTCGCCTCATGTGGTTTTATGCAGCAGATGCAAGGTATTCTGTAAAGGTTCTTGGT[A>C]TACCTGTTTTCATAACAACATGAGTAGTCTCTTCAGTAATTAGATTAGTTAAAGTGATGT-3'

Conditions:
Breast-ovarian cancer, familial, susceptibility to, 1 (BROVCA1). Also called: BRCA1 Hereditary Breast and Ovarian Cancer; OVARIAN CANCER, SUSCEPTIBILITY TO. Identifiers: Orphanet 145, MedGen C2676676, MONDO:0011450, OMIM 604370. Disease mechanism: loss of function.

Submission:

Brotman Baty Institute, University of Washington
No classification provided (evidence only). Condition: Breast-ovarian cancer, familial 1. Review status: no classification provided. Collection method: in vitro. Allele origin: not applicable. Functional consequence: functionally_abnormal.
ClinVar note: "not provided" was previously submitted as the classification for the variant. However, the classification appeared to be based only on an observation of functional data so it was converted to no classification on 2025-07-30.